The following is an entry in ClinVar:

ClinVar aggregate classification (germline): Uncertain significance (1 of 4 stars; one submission).

Allele frequency attached by ClinVar (database versions not stated): gnomAD 0.00007; TOPMed 0.00007; ESP Exome Variant Server 0.00031; gnomAD exomes below 0.00001.
gnomAD v4.1: 17 of 1,525,264 alleles (0.0011%); highest among the groups gnomAD compares: African/African-American, 0.021%; no homozygotes.

Submission:

Labcorp Genetics (formerly Invitae), Labcorp
Classification: Uncertain significance. Last evaluated: 2024-02-06. Review status: criteria provided, single submitter. Criteria: Invitae Variant Classification Sherloc (09022015). Collection method: clinical testing. Allele origin: germline.
Comment: This sequence change falls in intron 1 of the NFE2L2 gene. It does not directly change the encoded amino acid sequence of the NFE2L2 protein. It affects a nucleotide within the consensus splice site. This variant is present in population databases (rs373551289, gnomAD 0.02%). This variant has not been reported in the literature in individuals affected with NFE2L2-related conditions. Variants that disrupt the consensus splice site are a relatively common cause of aberrant splicing (PMID: 17576681, 9536098). Algorithms developed to predict the effect of sequence changes on RNA splicing suggest that this variant is not likely to affect RNA splicing. In summary, the available evidence is currently insufficient to determine the role of this variant in disease. Therefore, it has been classified as a Variant of Uncertain Significance.

Literature cited by the submitters: PubMed 17576681; PubMed 9536098.

NM_006164.5(NFE2L2):c.45+4C>T

Genes: NFE2L2 (NFE2 like bZIP transcription factor 2; minus strand), LOC129935169 (ATAC-STARR-seq lymphoblastoid silent region 12145; plus strand). Cytogenetic location: 2q31.2.
Variant type: single nucleotide variant.
Coding change: c.45+4C>T on transcript NM_006164.5 (MANE Select); 4 bases into the intron after coding-DNA position 45, C replaced by T.
Molecular consequence: intron variant.
Genome position (GRCh38, 1-based): chr2:177,264,528, G>A on the plus strand (C>T on the coding strand, the complement: NFE2L2 is on the minus strand). VCF-style: chr2-177264528-G-A. GRCh37 (hg19) VCF-style: chr2-178129256-G-A.
Other names: c.45+4C>T (NM_001313903.2, NM_001313902.2).
Identifiers: ClinVar variation 2965324 (VCV002965324.3), dbSNP rs373551289, ClinGen allele CA1979969.